The following is an entry in ClinVar:

ClinVar aggregate classification (germline): Uncertain significance (1 of 4 stars; one submission).

Conditions:
MEPE-related disorder. Also called: MEPE-related condition.

gnomAD v4.1: 18 of 1,613,888 alleles (0.0011%); highest among the groups gnomAD compares: Admixed American, 0.02%; no homozygotes.

Submission:

PreventionGenetics, part of Exact Sciences
Classification: Uncertain significance for MEPE-related condition. Last evaluated: 2025-01-17. Review status: criteria provided, single submitter. Criteria: ACMG Guidelines, 2015. Collection method: clinical testing. Allele origin: germline.
Comment: The MEPE c.1118T>C variant is predicted to result in the amino acid substitution p.Met373Thr. To our knowledge, this variant has not been reported in the literature. This variant is reported in 0.026% of alleles in individuals of Latino descent in gnomAD. At this time, the clinical significance of this variant is uncertain due to the absence of conclusive functional and genetic evidence.

NM_020203.6(MEPE):c.1025T>C (p.Met342Thr)

Genes: MEPE (matrix extracellular phosphoglycoprotein; plus strand), MEPE-AS1 (MEPE and IBSP antisense RNA 1; minus strand). Cytogenetic location: 4q22.1.
Variant type: single nucleotide variant.
Coding change: c.1025T>C on transcript NM_020203.6 (MANE Select); coding-DNA position 1025, T replaced by C.
Protein change: p.Met342Thr; replaces methionine 342 with threonine.
Molecular consequence: missense variant.
Genome position (GRCh38, 1-based): chr4:87,845,893, T>C. VCF-style: chr4-87845893-T-C. GRCh37 (hg19) VCF-style: chr4-88767045-T-C.
Other names: c.1025T>C, p.Met342Thr (NM_001184694.3); c.686T>C, p.Met229Thr (NM_001184695.4, NM_001184696.2, NM_001184697.2); c.1118T>C, p.Met373Thr (NM_001291183.2); short protein forms M229T, M342T, M373T.
Identifiers: ClinVar variation 4977363 (VCV004977363.1).
Genomic context (GRCh38, chr4:87,845,893, plus strand): 5'-AAACTGCGAAAGAGGCAGATGCTGTTGATGTCAGCCTTGTAGAGGGCAGCAACGATATCA[T>C]GGGTAGTACCAATTTTAAGGAGCTCCCTGGAAGAGAAGGAAACAGAGTGGATGCTGGCAG-3'
Protein context (NP_064588.1, residues 332-352): VSLVEGSNDI[Met342Thr]GSTNFKELPG